The following is an entry in ClinVar:

ClinVar aggregate classification (germline): Uncertain significance. Review status: criteria provided, multiple submitters, no conflicts (2 of 4 stars). 2 submissions from 2 submitters: Uncertain significance (2). Last evaluated 2025-03-19.

Conditions:
Hereditary cancer-predisposing syndrome. Also called: Neoplastic Syndromes, Hereditary; Hereditary Cancer Syndrome; Tumor predisposition; Hereditary neoplastic syndrome. Identifiers: Orphanet 140162, MedGen C0027672, MeSH D009386, MONDO:0015356.
Oligodontia-cancer predisposition syndrome. Also called: TOOTH AGENESIS-COLORECTAL CANCER SYNDROME. Identifiers: Orphanet 300576, MedGen C1837750, MONDO:0012075, OMIM 608615. Disease mechanism: loss of function.

Submissions (2):

Ambry Genetics
Classification: Uncertain significance for Hereditary cancer-predisposing syndrome. Last evaluated: 2025-03-19. Review status: criteria provided, single submitter. Criteria: Ambry Variant Classification Scheme 2023. Collection method: clinical testing. Allele origin: germline.
Comment: The p.A306G variant (also known as c.917C>G), located in coding exon 2 of the AXIN2 gene, results from a C to G substitution at nucleotide position 917. The alanine at codon 306 is replaced by glycine, an amino acid with similar properties. This amino acid position is highly conserved in available vertebrate species. In addition, the in silico prediction for this alteration is inconclusive. Based on the available evidence, the clinical significance of this variant remains unclear.

Labcorp Genetics (formerly Invitae), Labcorp
Classification: Uncertain significance for Oligodontia-cancer predisposition syndrome. Last evaluated: 2025-03-19. Review status: criteria provided, single submitter. Criteria: Invitae Variant Classification Sherloc (09022015). Collection method: clinical testing. Allele origin: germline.
Comment: This sequence change replaces alanine, which is neutral and non-polar, with glycine, which is neutral and non-polar, at codon 306 of the AXIN2 protein (p.Ala306Gly). This variant is present in population databases (rs151247101, gnomAD 0.0009%). This variant has not been reported in the literature in individuals affected with AXIN2-related conditions. ClinVar contains an entry for this variant (Variation ID: 945459). Invitae Evidence Modeling of protein sequence and biophysical properties (such as structural, functional, and spatial information, amino acid conservation, physicochemical variation, residue mobility, and thermodynamic stability) has been performed for this missense variant. However, the output from this modeling did not meet the statistical confidence thresholds required to predict the impact of this variant on AXIN2 protein function. In summary, the available evidence is currently insufficient to determine the role of this variant in disease. Therefore, it has been classified as a Variant of Uncertain Significance.

NM_004655.4(AXIN2):c.917C>G (p.Ala306Gly)

Gene: AXIN2 (axin 2; minus strand). Cytogenetic location: 17q24.1.
Variant type: single nucleotide variant.
Coding change: c.917C>G on transcript NM_004655.4 (MANE Select); coding-DNA position 917, C replaced by G.
Protein change: p.Ala306Gly; replaces alanine 306 with glycine.
Molecular consequence: missense variant.
Genome position (GRCh38, 1-based): chr17:65,549,559, G>C on the plus strand (C>G on the coding strand, the complement: AXIN2 is on the minus strand). VCF-style: chr17-65549559-G-C. GRCh37 (hg19) VCF-style: chr17-63545677-G-C.
Other names: c.917C>G, p.Ala306Gly (NM_001363813.1); short protein forms A306G.
Identifiers: ClinVar variation 945459 (VCV000945459.10), dbSNP rs151247101, ClinGen allele CA8718946.